The following is an entry in ClinVar:

ClinVar aggregate classification (germline): Uncertain significance. Review status: criteria provided, multiple submitters, no conflicts (2 of 4 stars). 7 submissions from 6 submitters: Uncertain significance (7). Last evaluated 2025-03-23.

Conditions:
Autosomal recessive limb-girdle muscular dystrophy type 2F (LGMDR6). Also called: Muscular dystrophy limb-girdle with delta-sarcoglyan deficiency; MUSCULAR DYSTROPHY, LIMB-GIRDLE, AUTOSOMAL RECESSIVE 6. Identifiers: Orphanet 219, MedGen C1832525, MONDO:0011028, OMIM 601287. Disease mechanism: Affects gamma-sarcoglycan and also disrupts the integrity of the entire sarcoglycan complex..
Dilated cardiomyopathy 1L (CMD1L). Identifiers: Orphanet 154, MedGen C1847667, MONDO:0011702, OMIM 606685.
Inborn genetic diseases. Identifiers: MedGen C0950123, MeSH D030342.

Allele frequency attached by ClinVar (database versions not stated): gnomAD exomes 0.00001 and 0.00002; ExAC 0.00003; gnomAD 0.00007 and 0.00008; TOPMed 0.00008; 1000 Genomes Project 0.00020; 1000 Genomes Project 30x 0.00031.
gnomAD v4.1: 18 of 1,576,068 alleles (0.0011%); highest among the groups gnomAD compares: African/African-American, 0.023%; no homozygotes.

Submissions (7):

Ambry Genetics
Classification: Uncertain significance for Inborn genetic diseases. Last evaluated: 2025-03-23. Review status: criteria provided, single submitter. Criteria: Ambry Variant Classification Scheme 2023. Collection method: clinical testing. Allele origin: germline.
Comment: The p.K189R variant (also known as c.566A>G), located in coding exon 6 of the SGCD gene, results from an A to G substitution at nucleotide position 566. The lysine at codon 189 is replaced by arginine, an amino acid with highly similar properties. This amino acid position is conserved. In addition, the in silico prediction for this alteration is inconclusive. Since supporting evidence is limited at this time, the clinical significance of this alteration remains unclear.

Women's Health and Genetics/Laboratory Corporation of America, LabCorp
Classification: Uncertain significance. Last evaluated: 2023-12-03. Review status: criteria provided, single submitter. Criteria: LabCorp Variant Classification Summary - May 2015. Collection method: clinical testing. Allele origin: germline.

Genome-Nilou Lab
Classification: Uncertain significance for Autosomal recessive limb-girdle muscular dystrophy type 2F. Last evaluated: 2023-02-08. Review status: criteria provided, single submitter. Criteria: ACMG Guidelines, 2015. Collection method: clinical testing. Allele origin: germline.

Genome-Nilou Lab
Classification: Uncertain significance for Dilated cardiomyopathy 1L. Last evaluated: 2023-02-08. Review status: criteria provided, single submitter. Criteria: ACMG Guidelines, 2015. Collection method: clinical testing. Allele origin: germline.

Labcorp Genetics (formerly Invitae), Labcorp
Classification: Uncertain significance for Autosomal recessive limb-girdle muscular dystrophy type 2F. Last evaluated: 2022-10-18. Review status: criteria provided, single submitter. Criteria: Invitae Variant Classification Sherloc (09022015). Collection method: clinical testing. Allele origin: germline.
Comment: This sequence change replaces lysine, which is basic and polar, with arginine, which is basic and polar, at codon 189 of the SGCD protein (p.Lys189Arg). The frequency data for this variant in the population databases is considered unreliable, as metrics indicate poor data quality at this position in the gnomAD database. This variant has not been reported in the literature in individuals affected with SGCD-related conditions. ClinVar contains an entry for this variant (Variation ID: 411709). Advanced modeling of protein sequence and biophysical properties (such as structural, functional, and spatial information, amino acid conservation, physicochemical variation, residue mobility, and thermodynamic stability) performed at Invitae indicates that this missense variant is not expected to disrupt SGCD protein function. In summary, the available evidence is currently insufficient to determine the role of this variant in disease. Therefore, it has been classified as a Variant of Uncertain Significance.

Fulgent Genetics
Classification: Uncertain significance for Autosomal recessive limb-girdle muscular dystrophy type 2F; Dilated cardiomyopathy 1L. Last evaluated: 2021-09-01. Review status: criteria provided, single submitter. Criteria: ACMG Guidelines, 2015. Collection method: clinical testing. Allele origin: unknown.

Eurofins Ntd Llc (ga)
Classification: Uncertain significance. Last evaluated: 2018-03-22. Review status: criteria provided, single submitter. Criteria: EGL ClinVar v180209 classification definitions. Collection method: clinical testing. Allele origin: germline. Observed: 1 variant allele, 1 heterozygote.

NM_000337.6(SGCD):c.566A>G (p.Lys189Arg)

Gene: SGCD (sarcoglycan delta; plus strand). Cytogenetic location: 5q33.3.
Variant type: single nucleotide variant.
Coding change: c.566A>G on transcript NM_000337.6 (MANE Select); coding-DNA position 566, A replaced by G.
Protein change: p.Lys189Arg; replaces lysine 189 with arginine.
Molecular consequence: missense variant.
Genome position (GRCh38, 1-based): chr5:156,647,527, A>G. VCF-style: chr5-156647527-A-G. GRCh37 (hg19) VCF-style: chr5-156074537-A-G.
Other names: c.563A>G, p.Lys188Arg (NM_001128209.2); c.566A>G, p.Lys189Arg (NM_172244.3); short protein forms K189R, K188R.
Identifiers: ClinVar variation 411709 (VCV000411709.17), dbSNP rs538002169, ClinGen allele CA3530627.